The following is an entry in ClinVar:

ClinVar aggregate classification (germline): Benign/Likely benign. Review status: criteria provided, multiple submitters, no conflicts (2 of 4 stars). 12 submissions from 12 submitters: Benign (10); Likely benign (1). 1 of the submissions does not count toward it. Last evaluated 2026-02-04.

Conditions:
Kidney disorder. Also called: Nephropathy; Kidney disease; Kidney Diseases; renal disorder; renal disease. Identifiers: MedGen C0022658, MONDO:0005240, HP:0000112.
Alport syndrome. Also called: Hemorrhagic familial nephritis; Hemorrhagic hereditary nephritis; Congenital hereditary hematuria. Identifiers: Orphanet 63, MedGen C1567741, MONDO:0018965.
Autosomal recessive Alport syndrome (ATS2). Also called: ALPORT SYNDROME 2, AUTOSOMAL RECESSIVE; Alport syndrome type 2; COL4A4 Alport Syndrome and Thin Basement Membrane Nephropathy; COL4A3-Related Nephropathy. Identifiers: Orphanet 63, Orphanet 88919, MedGen C4746745, MONDO:0008762, OMIM 203780.

Allele frequency attached by ClinVar (database versions not stated): gnomAD exomes 0.00567; ExAC 0.00696; gnomAD 0.02319 and 0.02492; ESP Exome Variant Server 0.02484; 1000 Genomes Project 0.02636; TOPMed 0.02677; 1000 Genomes Project 30x 0.02951.
gnomAD v4.1: 6,773 of 1,613,872 alleles (0.42%); highest among the groups gnomAD compares: African/African-American, 7.9%; 270 homozygotes.

Submissions (12):

Labcorp Genetics (formerly Invitae), Labcorp
Classification: Benign. Last evaluated: 2026-02-04. Review status: criteria provided, single submitter. Criteria: Invitae Variant Classification Sherloc (09022015). Collection method: clinical testing. Allele origin: germline.

Women's Health and Genetics/Laboratory Corporation of America, LabCorp
Classification: Benign. Last evaluated: 2024-11-29. Review status: criteria provided, single submitter. Criteria: LabCorp Variant Classification Summary - May 2015. Collection method: clinical testing. Allele origin: germline.

Blueprint Genetics
Classification: Likely benign. Last evaluated: 2024-11-26. Review status: criteria provided, single submitter. Criteria: ACMG Guidelines, 2015. Collection method: clinical testing. Allele origin: germline.

Mayo Clinic Laboratories, Mayo Clinic
Classification: Benign. Last evaluated: 2023-03-26. Review status: criteria provided, single submitter. Criteria: ACMG Guidelines, 2015. Collection method: clinical testing. Allele origin: germline. Observed: 8 variant alleles.

Genome Diagnostics Laboratory, The Hospital for Sick Children
Classification: Benign for Kidney disorder. Last evaluated: 2019-11-01. Review status: criteria provided, single submitter. Criteria: ACMG Guidelines, 2015. Collection method: clinical testing. Allele origin: germline.

Illumina Laboratory Services, Illumina
Classification: Benign for Alport syndrome. Last evaluated: 2018-01-13. Review status: criteria provided, single submitter. Criteria: ICSL Variant Classification Criteria 13 December 2019. Collection method: clinical testing. Allele origin: germline.
Comment: This variant was observed in the ICSL laboratory as part of a predisposition screen in an ostensibly healthy population. It had not been previously curated by ICSL or reported in the Human Gene Mutation Database (HGMD: prior to June 1st, 2018), and was therefore a candidate for classification through an automated scoring system. Utilizing variant allele frequency, disease prevalence and penetrance estimates, and inheritance mode, an automated score was calculated to assess if this variant is too frequent to cause the disease. Based on the score and internal cut-off values, a variant classified as benign is not then subjected to further curation. The score for this variant resulted in a classification of benign for this disease.

GeneDx
Classification: Benign. Last evaluated: 2017-11-22. Review status: criteria provided, single submitter. Criteria: GeneDx Variant Classification (06012015). Collection method: clinical testing. Allele origin: germline. Affected: yes.
Comment: This variant is considered likely benign or benign based on one or more of the following criteria: it is a conservative change, it occurs at a poorly conserved position in the protein, it is predicted to be benign by multiple in silico algorithms, and/or has population frequency not consistent with disease.

Athena Diagnostics
Classification: Benign for Autosomal recessive Alport syndrome. Last evaluated: 2017-06-01. Review status: criteria provided, single submitter. Criteria: Athena Diagnostics Criteria. Collection method: clinical testing. Allele origin: germline.

Laboratory for Molecular Medicine, Mass General Brigham Personalized Medicine
Classification: Benign. Last evaluated: 2016-03-21. Review status: criteria provided, single submitter. Criteria: LMM Criteria. Collection method: clinical testing. Allele origin: germline. Observed: 1 variant allele.
Comment: p.Leu1347Leu in exon 42 of COL4A4: This variant is not expected to have clinical significance because it does not alter an amino acid residue, is not located within the splice consensus sequence, and has been identified in 8.15% (780/9572) of African chromosomes by the Exome Aggregation Consortium (ExAC; dbSNP rs16823077).

Breakthrough Genomics
Classification: Benign. Review status: criteria provided, single submitter. Criteria: ACMG Guidelines, 2015. Collection method: not provided. Allele origin: germline. Inheritance: Autosomal recessive inheritance. Affected: yes.

PreventionGenetics, part of Exact Sciences
Classification: Benign. Review status: criteria provided, single submitter. Criteria: ACMG Guidelines, 2015. Collection method: clinical testing. Allele origin: germline.

Natera, Inc.
Classification: Benign for Alport syndrome. Last evaluated: 2020-09-16. Review status: no assertion criteria provided. Collection method: clinical testing. Allele origin: germline. Not counted in ClinVar's aggregate classification.

NM_000092.5(COL4A4):c.4041A>G (p.Leu1347=)

Gene: COL4A4 (collagen type IV alpha 4 chain; minus strand). Cytogenetic location: 2q36.3.
Variant type: single nucleotide variant.
Coding change: c.4041A>G on transcript NM_000092.5 (MANE Select); coding-DNA position 4041, A replaced by G.
Protein change: p.Leu1347=; no amino-acid change (leucine 1347 retained).
Molecular consequence: synonymous variant.
Genome position (GRCh38, 1-based): chr2:227,027,942, T>C on the plus strand (A>G on the coding strand, the complement: COL4A4 is on the minus strand). VCF-style: chr2-227027942-T-C. GRCh37 (hg19) VCF-style: chr2-227892658-T-C.
Other names: p.Leu1347=.
Identifiers: ClinVar variation 255035 (VCV000255035.29), dbSNP rs16823077, ClinGen allele CA2144347.
Genomic context (GRCh38, chr2:227,027,942, plus strand): 5'-TATGTAGGTTGGAAGCTCACCCGGAAGACCAGTGGGCCCTTTTCTCCCTGGAGGTCCAGG[T>C]AAACCCTTCTCTCCAGGTGGCCCAGGAAATCCATGTGGTCCCTGCGGTCCCGGGAATCCC-3'
Protein context (NP_000083.3, residues 1337-1357): GFPGPPGEKG[Leu1347=]PGPPGRKGPT